The following is an entry in ClinVar:

ClinVar aggregate classification (germline): Uncertain significance (1 of 4 stars; one submission).

Conditions:
Hereditary cancer-predisposing syndrome. Also called: Neoplastic Syndromes, Hereditary; Tumor predisposition; Hereditary Cancer Syndrome; Hereditary neoplastic syndrome. Identifiers: Orphanet 140162, MedGen C0027672, MeSH D009386, MONDO:0015356.

Allele frequency attached by ClinVar (database versions not stated): gnomAD 0.00001; ExAC 0.00002; TOPMed 0.00003.
gnomAD v4.1: 2 of 1,613,090 alleles (0.00012%); highest among the groups gnomAD compares: African/African-American, 0.0027%; no homozygotes.

Submission:

Ambry Genetics
Classification: Uncertain significance for Hereditary cancer-predisposing syndrome. Last evaluated: 2025-06-09. Review status: criteria provided, single submitter. Criteria: Ambry Variant Classification Scheme 2023. Collection method: clinical testing. Allele origin: germline.
Comment: The p.P300R variant (also known as c.899C>G), located in coding exon 8 of the MRE11A gene, results from a C to G substitution at nucleotide position 899. The proline at codon 300 is replaced by arginine, an amino acid with dissimilar properties. This amino acid position is well conserved in available vertebrate species. In addition, the in silico prediction for this alteration is inconclusive. Since supporting evidence is limited at this time, the clinical significance of this alteration remains unclear.

NM_005591.4(MRE11):c.899C>G (p.Pro300Arg)

Gene: MRE11 (MRE11 double strand break repair nuclease; minus strand). Cytogenetic location: 11q21.
Variant type: single nucleotide variant.
Coding change: c.899C>G on transcript NM_005591.4 (MANE Select); coding-DNA position 899, C replaced by G.
Protein change: p.Pro300Arg; replaces proline 300 with arginine.
Molecular consequence: missense variant.
Genome position (GRCh38, 1-based): chr11:94,470,589, G>C on the plus strand (C>G on the coding strand, the complement: MRE11 is on the minus strand). VCF-style: chr11-94470589-G-C. GRCh37 (hg19) VCF-style: chr11-94203755-G-C.
Other names: c.899C>G, p.Pro300Arg (NM_001330347.2, NM_005590.4); short protein forms P300R.
Identifiers: ClinVar variation 1799689 (VCV001799689.4), dbSNP rs769330601, ClinGen allele CA6235268.